The following is an entry in ClinVar:

ClinVar aggregate classification (germline): Uncertain significance (1 of 4 stars; one submission).

Allele frequency attached by ClinVar (database versions not stated): gnomAD exomes below 0.00001.

Submission:

Labcorp Genetics (formerly Invitae), Labcorp
Classification: Uncertain significance. Last evaluated: 2022-02-20. Review status: criteria provided, single submitter. Criteria: Invitae Variant Classification Sherloc (09022015). Collection method: clinical testing. Allele origin: germline.
Comment: In summary, the available evidence is currently insufficient to determine the role of this variant in disease. Therefore, it has been classified as a Variant of Uncertain Significance. Algorithms developed to predict the effect of missense changes on protein structure and function output the following: SIFT: "Tolerated"; PolyPhen-2: "Benign"; Align-GVGD: "Class C0". The glycine amino acid residue is found in multiple mammalian species, which suggests that this missense change does not adversely affect protein function. This variant has not been reported in the literature in individuals affected with AP3D1-related conditions. This variant is present in population databases (no rsID available, gnomAD 0.0009%). This sequence change replaces serine, which is neutral and polar, with glycine, which is neutral and non-polar, at codon 1020 of the AP3D1 protein (p.Ser1020Gly).

NM_001261826.3(AP3D1):c.3058A>G (p.Ser1020Gly)

Gene: AP3D1 (adaptor related protein complex 3 subunit delta 1; minus strand). Cytogenetic location: 19p13.3.
Variant type: single nucleotide variant.
Coding change: c.3058A>G on transcript NM_001261826.3 (MANE Select); coding-DNA position 3058, A replaced by G.
Protein change: p.Ser1020Gly; replaces serine 1020 with glycine.
Molecular consequence: missense variant.
Genome position (GRCh38, 1-based): chr19:2,110,824, T>C on the plus strand (A>G on the coding strand, the complement: AP3D1 is on the minus strand). VCF-style: chr19-2110824-T-C. GRCh37 (hg19) VCF-style: chr19-2110823-T-C.
Other names: c.3022A>G, p.Ser1008Gly (NM_001374799.1); c.2872A>G, p.Ser958Gly (NM_003938.8); short protein forms S1020G, S1008G, S958G.
Identifiers: ClinVar variation 1938264 (VCV001938264.5), dbSNP rs1258887871, ClinGen allele CA403202970.